The following is an entry in ClinVar:

NM_018013.4(SOBP):c.1209C>T (p.Ile403=)

Gene: SOBP (sine oculis binding protein homolog; plus strand). Cytogenetic location: 6q21.
Variant type: single nucleotide variant.
Coding change: c.1209C>T on transcript NM_018013.4 (MANE Select); coding-DNA position 1209, C replaced by T.
Protein change: p.Ile403=; no amino-acid change (isoleucine 403 retained).
Molecular consequence: synonymous variant.
Genome position (GRCh38, 1-based): chr6:107,634,053, C>T. VCF-style: chr6-107634053-C-T. GRCh37 (hg19) VCF-style: chr6-107955257-C-T.
Identifiers: ClinVar variation 2673073 (VCV002673073.23), dbSNP rs760676199, ClinGen allele CA3946486.

ClinVar aggregate classification (germline): Likely benign (1 of 4 stars; one submission).

Allele frequency attached by ClinVar (database versions not stated): gnomAD 0.00001; gnomAD exomes 0.00002; TOPMed 0.00002; ExAC 0.00004.

Submission:

CeGaT Center for Human Genetics Tuebingen
Classification: Likely benign. Last evaluated: 2023-11-01. Review status: criteria provided, single submitter. Criteria: CeGaT Center For Human Genetics Tuebingen Variant Classification Criteria Version 2. Collection method: clinical testing. Allele origin: germline. Affected: yes. Observed: 1 variant allele.
Comment: SOBP: BP4, BP7